The following is an entry in ClinVar:

NM_032638.5(GATA2):c.409C>T (p.Pro137Ser)

Gene: GATA2 (GATA binding protein 2; minus strand). Cytogenetic location: 3q21.3.
Variant type: single nucleotide variant.
Coding change: c.409C>T on transcript NM_032638.5 (MANE Select); coding-DNA position 409, C replaced by T.
Protein change: p.Pro137Ser; replaces proline 137 with serine.
Molecular consequence: missense variant.
Genome position (GRCh38, 1-based): chr3:128,486,189, G>A on the plus strand (C>T on the coding strand, the complement: GATA2 is on the minus strand). VCF-style: chr3-128486189-G-A. GRCh37 (hg19) VCF-style: chr3-128205032-G-A.
Other names: c.409C>T, p.Pro137Ser (NM_001145661.2, NM_001145662.1); short protein forms P137S.
Identifiers: ClinVar variation 657659 (VCV000657659.10), dbSNP rs113166293, ClinGen allele CA83372042.

ClinVar aggregate classification (germline): Uncertain significance. Review status: criteria provided, multiple submitters, no conflicts (2 of 4 stars). 2 submissions from 2 submitters: Uncertain significance (2). Last evaluated 2024-04-25.

Conditions:
Monocytopenia with susceptibility to infections. Also called: IMMUNODEFICIENCY 21; GATA2 DEFICIENCY; MONOCYTOPENIA AND MYCOBACTERIAL INFECTION SYNDROME; MONOCYTOPENIA WITH SUSCEPTIBILITY TO MYCOBACTERIAL, FUNGAL, AND PAPILLOMAVIRUS INFECTIONS AND MYELODYSPLASIA; COMBINED IMMUNODEFICIENCY WITH SUSCEPTIBILITY TO MYCOBACTERIAL, VIRAL, AND FUNGAL INFECTIONS; Dendritic cell, monocyte, B lymphocyte, and natural killer lymphocyte deficiency. Identifiers: Orphanet 228423, MedGen C3280030, MONDO:0013607, OMIM 614172.
Deafness-lymphedema-leukemia syndrome. Also called: Lymphedema, primary, with myelodysplasia; Emberger syndrome. Identifiers: Orphanet 3226, MedGen C3279664, MONDO:0013540, OMIM 614038.

Allele frequency attached by ClinVar (database versions not stated): TOPMed below 0.00001; gnomAD 0.00001.
gnomAD v4.1: 1 of 1,559,794 alleles (0.000064%); highest among the groups gnomAD compares: Non-Finnish European, 0.000087%; no homozygotes.

Submissions (2):

Labcorp Genetics (formerly Invitae), Labcorp
Classification: Uncertain significance for Monocytopenia with susceptibility to infections; Deafness-lymphedema-leukemia syndrome. Last evaluated: 2024-04-25. Review status: criteria provided, single submitter. Criteria: Invitae Variant Classification Sherloc (09022015). Collection method: clinical testing. Allele origin: germline.
Comment: This sequence change replaces proline, which is neutral and non-polar, with serine, which is neutral and polar, at codon 137 of the GATA2 protein (p.Pro137Ser). This variant is not present in population databases (gnomAD no frequency). This variant has not been reported in the literature in individuals affected with GATA2-related conditions. ClinVar contains an entry for this variant (Variation ID: 657659). Advanced modeling of protein sequence and biophysical properties (such as structural, functional, and spatial information, amino acid conservation, physicochemical variation, residue mobility, and thermodynamic stability) performed at Invitae indicates that this missense variant is not expected to disrupt GATA2 protein function with a negative predictive value of 95%. In summary, the available evidence is currently insufficient to determine the role of this variant in disease. Therefore, it has been classified as a Variant of Uncertain Significance.

Genetic Services Laboratory, University of Chicago
Classification: Uncertain significance. Last evaluated: 2021-12-14. Review status: criteria provided, single submitter. Criteria: ACMG Guidelines, 2015. Collection method: clinical testing. Allele origin: germline. Affected: no.
Comment: DNA sequence analysis of the GATA2 gene demonstrated a sequence change, c.409C>T, in exon 3 that results in an amino acid change, p.Pro137Ser. This sequence change does not appear to have been previously described in individuals with GATA2-related disorders and has also not been described in population databases such as ExAC and gnomAD (dbSNP rs113166293). The p.Pro137Ser change affects a poorly conserved amino acid residue located in a domain of the GATA2 protein that is known to be functional. The p.Pro137Ser substitution appears to be benign using several in-silico pathogenicity prediction tools (SIFT, PolyPhen2, Align GVGD, REVEL). Due to insufficient evidences and the lack of functional studies, the clinical significance of the p.Pro137Ser change remains unknown at this time.